The following is an entry in ClinVar:

NM_006904.7(PRKDC):c.811G>A (p.Gly271Ser)

Gene: PRKDC (protein kinase, DNA-activated, catalytic subunit; minus strand). Cytogenetic location: 8q11.21.
Variant type: single nucleotide variant.
Coding change: c.811G>A on transcript NM_006904.7 (MANE Select); coding-DNA position 811, G replaced by A.
Protein change: p.Gly271Ser; replaces glycine 271 with serine.
Molecular consequence: missense variant.
Genome position (GRCh38, 1-based): chr8:47,943,364, C>T on the plus strand (G>A on the coding strand, the complement: PRKDC is on the minus strand). VCF-style: chr8-47943364-C-T. GRCh37 (hg19) VCF-style: chr8-48855924-C-T.
Other names: c.811G>A, p.Gly271Ser (NM_001081640.2); short protein forms G271S.
Identifiers: ClinVar variation 1762079 (VCV001762079.2), dbSNP rs1051049316, ClinGen allele CA176147776.

ClinVar aggregate classification (germline): Uncertain significance (1 of 4 stars; one submission).

Allele frequency attached by ClinVar (database versions not stated): TOPMed below 0.00001; gnomAD 0.00001.
gnomAD v4.1: 1 of 1,596,828 alleles (0.000063%); highest among the groups gnomAD compares: Non-Finnish European, 0.000085%; no homozygotes.

Submission:

Ambry Genetics
Classification: Uncertain significance. Last evaluated: 2022-08-13. Review status: criteria provided, single submitter. Criteria: Ambry Variant Classification Scheme 2023. Collection method: clinical testing. Allele origin: germline.
Comment: The p.G271S variant (also known as c.811G>A), located in coding exon 10 of the PRKDC gene, results from a G to A substitution at nucleotide position 811. The glycine at codon 271 is replaced by serine, an amino acid with similar properties. This amino acid position is conserved. In addition, the in silico prediction for this alteration is inconclusive. Since supporting evidence is limited at this time, the clinical significance of this alteration remains unclear.